The following is an entry in ClinVar:

ClinVar aggregate classification (germline): Likely benign (1 of 4 stars; one submission).

Allele frequency attached by ClinVar (database versions not stated): gnomAD exomes below 0.00001.
gnomAD v4.1: 3 of 1,613,448 alleles (0.00019%); highest among the groups gnomAD compares: Non-Finnish European, 0.00025%; no homozygotes.

Submission:

CeGaT Center for Human Genetics Tuebingen
Classification: Likely benign. Last evaluated: 2022-07-01. Review status: criteria provided, single submitter. Criteria: CeGaT Center For Human Genetics Tuebingen Variant Classification Criteria Version 2. Collection method: clinical testing. Allele origin: germline. Affected: yes. Observed: 1 variant allele.
Comment: COG5: PM2:Supporting, BP4, BP7

NM_006348.5(COG5):c.2139A>C (p.Gly713=)

Gene: COG5 (component of oligomeric golgi complex 5; minus strand). Cytogenetic location: 7q22.3.
Variant type: single nucleotide variant.
Coding change: c.2139A>C on transcript NM_006348.5 (MANE Select); coding-DNA position 2139, A replaced by C.
Protein change: p.Gly713=; no amino-acid change (glycine 713 retained).
Molecular consequence: synonymous variant. On other transcripts: intron variant (1).
Genome position (GRCh38, 1-based): chr7:107,230,644, T>G on the plus strand (A>C on the coding strand, the complement: COG5 is on the minus strand). VCF-style: chr7-107230644-T-G. GRCh37 (hg19) VCF-style: chr7-106871089-T-G.
Other names: c.2139A>C, p.Gly713= (NM_001161520.2, NM_001379513.1); c.1977A>C, p.Gly659= (NM_001379511.1); c.1965A>C, p.Gly655= (NM_001379512.1); c.1569A>C, p.Gly523= (NM_001379515.1); c.1425A>C, p.Gly475= (NM_001379516.1); c.2076A>C, p.Gly692= (NM_181733.4); c.1853+17752A>C (NM_001379514.1).
Identifiers: ClinVar variation 2657929 (VCV002657929.24), dbSNP rs2535851750, ClinGen allele CA457175529.